The following is an entry in ClinVar:

ClinVar aggregate classification (germline): Uncertain significance (1 of 4 stars; one submission).

Conditions:
Noonan syndrome 9 (NS9). Identifiers: Orphanet 648, MedGen C4225282, MONDO:0014691, OMIM 616559.

Submission:

Labcorp Genetics (formerly Invitae), Labcorp
Classification: Uncertain significance for Noonan syndrome 9. Last evaluated: 2023-12-18. Review status: criteria provided, single submitter. Criteria: Invitae Variant Classification Sherloc (09022015). Collection method: clinical testing. Allele origin: unknown.
Comment: This variant results in a copy number gain of the genomic region encompassing exon(s) 1 of the SOS2 gene. This region includes the initiator codon of the gene. This copy number gain extends beyond the assayed region for this gene and therefore may encompass additional genes. As the precise location of this event is unknown, it may be in tandem or it may be located elsewhere in the genome. This variant has not been reported in the literature in individuals affected with SOS2-related conditions. In summary, the available evidence is currently insufficient to determine the role of this variant in disease. Therefore, it has been classified as a Variant of Uncertain Significance.

NC_000014.8:g.(?_50697895)_(51288774_?)dup

Genes: ATL1 (atlastin GTPase 1; plus strand), CDKL1 (cyclin dependent kinase like 1; minus strand), DMAC2L (distal membrane arm assembly component 2 like; plus strand), L2HGDH (L-2-hydroxyglutarate dehydrogenase; minus strand), MAP4K5 (mitogen-activated protein kinase kinase kinase kinase 5; minus strand) and 3 more. Cytogenetic location: 14q21.3-22.1.
Variant type: Duplication.
Identifiers: ClinVar variation 3244040 (VCV003244040.1).